The following is an entry in ClinVar:

ClinVar aggregate classification (germline): Likely benign. Review status: criteria provided, multiple submitters, no conflicts (2 of 4 stars). 2 submissions from 2 submitters: Likely benign (2). Last evaluated 2025-05-28.

Conditions:
KSR2-related disorder. Also called: KSR2-related condition.

Allele frequency attached by ClinVar (database versions not stated): gnomAD exomes below 0.00001; TOPMed below 0.00001; gnomAD 0.00001.

Submissions (2):

PreventionGenetics, part of Exact Sciences
Classification: Likely benign for KSR2-related condition. Last evaluated: 2025-05-28. Review status: criteria provided, single submitter. Criteria: ACMG Guidelines, 2015. Collection method: clinical testing. Allele origin: germline.
Comment: This variant is classified as likely benign based on ACMG/AMP sequence variant interpretation guidelines (Richards et al. 2015 PMID: 25741868, with internal and published modifications).

GeneDx
Classification: Likely benign. Last evaluated: 2018-02-21. Review status: criteria provided, single submitter. Criteria: GeneDx Variant Classification (06012015). Collection method: clinical testing. Allele origin: germline. Affected: yes.
Comment: This variant is considered likely benign or benign based on one or more of the following criteria: it is a conservative change, it occurs at a poorly conserved position in the protein, it is predicted to be benign by multiple in silico algorithms, and/or has population frequency not consistent with disease.

NM_173598.6(KSR2):c.1172-5T>C

Gene: KSR2 (kinase suppressor of ras 2; minus strand). Cytogenetic location: 12q24.22.
Variant type: single nucleotide variant.
Coding change: c.1172-5T>C on transcript NM_173598.6 (MANE Select); 5 bases into the intron before coding-DNA position 1172, T replaced by C.
Molecular consequence: intron variant.
Genome position (GRCh38, 1-based): chr12:117,582,364, A>G on the plus strand (T>C on the coding strand, the complement: KSR2 is on the minus strand). VCF-style: chr12-117582364-A-G. GRCh37 (hg19) VCF-style: chr12-118020169-A-G.
Identifiers: ClinVar variation 515630 (VCV000515630.2), dbSNP rs1414100133, ClinGen allele CA607807734.